The following is an entry in ClinVar:

NM_013336.4(SEC61A1):c.1198G>A (p.Val400Met)

Genes: RUVBL1 (RuvB like AAA ATPase 1; minus strand), SEC61A1 (SEC61 translocon subunit alpha 1; plus strand). Cytogenetic location: 3q21.3.
Variant type: single nucleotide variant.
Coding change: c.1198G>A on transcript NM_013336.4 (MANE Select); coding-DNA position 1198, G replaced by A.
Protein change: p.Val400Met; replaces valine 400 with methionine.
Molecular consequence: missense variant. On other transcripts: intron variant (1).
Genome position (GRCh38, 1-based): chr3:128,068,013, G>A. VCF-style: chr3-128068013-G-A. GRCh37 (hg19) VCF-style: chr3-127786856-G-A.
Other names: c.1216G>A, p.Val406Met (NM_001400328.1); c.1039G>A, p.Val347Met (NM_001400329.1); c.940-2793C>T (NM_001319086.1); short protein forms V400M, V347M, V406M.
Identifiers: ClinVar variation 452591 (VCV000452591.4), dbSNP rs1553722508, ClinGen allele CA354401963.

ClinVar aggregate classification (germline): Uncertain significance (1 of 4 stars; one submission).

Submission:

GeneDx
Classification: Uncertain significance. Last evaluated: 2017-10-13. Review status: criteria provided, single submitter. Criteria: GeneDx Variant Classification (06012015). Collection method: clinical testing. Allele origin: germline. Affected: yes.
Comment: The V400M variant in the SEC61A1 gene has not been reported previously as a pathogenic variant, nor as a benign variant, to our knowledge. The V400M variant is not observed in large population cohorts (Lek et al., 2016). The V400M variant is a conservative amino acid substitution, which is not likely to impact secondary protein structure as these residues share similar properties. This substitution occurs at a position that is conserved across species. In silico analysis is inconsistent in its predictions as to whether or not the variant is damaging to the protein structure/function. We interpret V400M as a variant of uncertain significance.